The following is an entry in ClinVar:

ClinVar aggregate classification (germline): Uncertain significance (1 of 4 stars; one submission).

Conditions:
Acrofacial dysostosis Cincinnati type. Identifiers: Orphanet 1200, MedGen C4225317, MONDO:0014651, OMIM 616462.

gnomAD v4.1: 1 of 1,613,258 alleles (0.000062%); highest among the groups gnomAD compares: Non-Finnish European, 0.000085%; no homozygotes.

Submission:

Baylor Genetics
Classification: Uncertain significance for Acrofacial dysostosis Cincinnati type. Last evaluated: 2020-06-03. Review status: criteria provided, single submitter. Criteria: ACMG Guidelines, 2015. Collection method: clinical testing. Allele origin: unknown. Affected: yes.
Comment: This variant was determined to be of uncertain significance according to ACMG Guidelines, 2015 [PMID:25741868].

NM_015425.6(POLR1A):c.4034+1G>T

Gene: POLR1A (RNA polymerase I subunit A; minus strand). Cytogenetic location: 2p11.2.
Variant type: single nucleotide variant.
Coding change: c.4034+1G>T on transcript NM_015425.6 (MANE Select); the canonical splice donor site of the intron after coding-DNA position 4034, G replaced by T.
Molecular consequence: splice donor variant.
Genome position (GRCh38, 1-based): chr2:86,038,699, C>A on the plus strand (G>T on the coding strand, the complement: POLR1A is on the minus strand). VCF-style: chr2-86038699-C-A. GRCh37 (hg19) VCF-style: chr2-86265822-C-A.
Identifiers: ClinVar variation 1029398 (VCV001029398.1), dbSNP rs1672543159, ClinGen allele CA347549853.
Genomic context (GRCh38, chr2:86,038,699, plus strand): 5'-GCCCCAGTTCAAGCGCATTCTCTGGGTCAAGGTCAATGACAATCACAGCCTGAGCCCTGA[C>A]CTTGTTTCCATGAAGCGCAGGATGTCCTCGGGTCTCAGGCACTTCTCCTGCTGGTAATAT-3'